The following is an entry in ClinVar:

ClinVar aggregate classification (germline): Pathogenic. Review status: no assertion criteria provided (0 of 4 stars). 2 submissions from 2 submitters: Pathogenic (2). Last evaluated 2025-11-06.

Conditions:
X-linked intellectual disability, van Esch type. Also called: MENTAL RETARDATION, X-LINKED, SYNDROMIC, VAN ESCH-O''DRISCOLL TYPE; Van Esch-O'Driscoll syndrome. Identifiers: Orphanet 163976, MedGen C4305072, MONDO:0015601, OMIM 301030.

Submissions (3):

OMIM
Classification: Pathogenic for VAN ESCH-O'DRISCOLL SYNDROME. Last evaluated: 2025-11-06. Review status: no assertion criteria provided. Collection method: literature only. Allele origin: germline.

Center for Human Genetics, University of Leuven
Classification: Pathogenic for X-linked intellectual disability, Van Esch type. Last evaluated: 2019-02-01. Review status: no assertion criteria provided. Collection method: research. Allele origin: de novo. Affected: yes. Observed: 1 variant allele.
Comment: We performed segregation analysis, X-inactivation studies, Western blot and functional studies that support a clear pathogenic effect.

Dr. Peter K. Rogan Lab, Western University
No classification provided (evidence only). Condition: Thyroid cancer, nonmedullary, 1. Review status: no classification provided. Collection method: in vitro. Allele origin: not applicable. Functional consequence: retained intron. Not counted in ClinVar's aggregate classification.

Literature cited by the submitters: PubMed 31006512 (cited by OMIM and Center for Human Genetics, University of Leuven).

NM_001330360.2(POLA1):c.346G>A (p.Gly116Arg)

Gene: POLA1 (DNA polymerase alpha 1, catalytic subunit; plus strand). Cytogenetic location: Xp22.11.
Variant type: single nucleotide variant.
Coding change: c.346G>A on transcript NM_001330360.2 (MANE Select); coding-DNA position 346, G replaced by A.
Protein change: p.Gly116Arg; replaces glycine 116 with arginine.
Molecular consequence: missense variant.
Genome position (GRCh38, 1-based): chrX:24,704,469, G>A. VCF-style: chrX-24704469-G-A. GRCh37 (hg19) VCF-style: chrX-24722586-G-A.
Other names: NC_000023.10:g.24722586G>A; c.328G>A, p.Gly110Arg (NM_016937.4); short protein forms G110R, G116R.
Identifiers: ClinVar variation 627636 (VCV000627636.6), dbSNP rs1569271892, ClinGen allele CA412610471.